The following is an entry in ClinVar:

NM_005120.3(MED12):c.4156A>G (p.Thr1386Ala)

Gene: MED12 (mediator complex subunit 12; plus strand). Cytogenetic location: Xq13.1.
Variant type: single nucleotide variant.
Coding change: c.4156A>G on transcript NM_005120.3 (MANE Select); coding-DNA position 4156, A replaced by G.
Protein change: p.Thr1386Ala; replaces threonine 1386 with alanine.
Molecular consequence: missense variant.
Genome position (GRCh38, 1-based): chrX:71,132,109, A>G. VCF-style: chrX-71132109-A-G. GRCh37 (hg19) VCF-style: chrX-70351959-A-G.
Other names: short protein forms T1386A.
Identifiers: ClinVar variation 4801078 (VCV004801078.1).
Genomic context (GRCh38, chrX:71,132,109, plus strand): 5'-TTCTGTGCCTTTCATCCTCCCCAGGAGATGAACTCCCTCTTGGAGAACATCGCCAAGGCC[A>G]CAATCGAGGTTTTCCAACAGTCAGCAGAGACAGGGTCATCTTCTGGAAGTACTGCAAGCA-3'
Protein context (NP_005111.2, residues 1376-1396): NSLLENIAKA[Thr1386Ala]IEVFQQSAET

ClinVar aggregate classification (germline): Uncertain significance (1 of 4 stars; one submission).

Conditions:
FG syndrome (FGS). Identifiers: MedGen C0220769, MONDO:0002010.

Submission:

Labcorp Genetics (formerly Invitae), Labcorp
Classification: Uncertain significance for FG syndrome. Last evaluated: 2025-08-12. Review status: criteria provided, single submitter. Criteria: Invitae Variant Classification Sherloc (09022015). Collection method: clinical testing. Allele origin: germline.
Comment: This sequence change replaces threonine, which is neutral and polar, with alanine, which is neutral and non-polar, at codon 1386 of the MED12 protein (p.Thr1386Ala). This variant is not present in population databases (gnomAD no frequency). This variant has not been reported in the literature in individuals affected with MED12-related conditions. Invitae Evidence Modeling of protein sequence and biophysical properties (such as structural, functional, and spatial information, amino acid conservation, physicochemical variation, residue mobility, and thermodynamic stability) indicates that this missense variant is not expected to disrupt MED12 protein function with a negative predictive value of 95%. In summary, the available evidence is currently insufficient to determine the role of this variant in disease. Therefore, it has been classified as a Variant of Uncertain Significance.